The following is an entry in ClinVar:

NM_001845.6(COL4A1):c.1750G>C (p.Glu584Gln)

Gene: COL4A1 (collagen type IV alpha 1 chain; minus strand). Cytogenetic location: 13q34.
Variant type: single nucleotide variant.
Coding change: c.1750G>C on transcript NM_001845.6 (MANE Select); coding-DNA position 1750, G replaced by C.
Protein change: p.Glu584Gln; replaces glutamic acid 584 with glutamine.
Molecular consequence: missense variant.
Genome position (GRCh38, 1-based): chr13:110,186,532, C>G on the plus strand (G>C on the coding strand, the complement: COL4A1 is on the minus strand). VCF-style: chr13-110186532-C-G. GRCh37 (hg19) VCF-style: chr13-110838879-C-G.
Other names: c.1750G>C (NM_001845.4); short protein forms E584Q.
Identifiers: ClinVar variation 3239053 (VCV003239053.20), dbSNP rs1375164268.

ClinVar aggregate classification (germline): Uncertain significance. Review status: criteria provided, multiple submitters, no conflicts (2 of 4 stars). 2 submissions from 2 submitters: Uncertain significance (2). Last evaluated 2024-05-01.

Allele frequency attached by ClinVar (database versions not stated): gnomAD 0.00003; TOPMed 0.00005.
gnomAD v4.1: 6 of 1,613,910 alleles (0.00037%); highest among the groups gnomAD compares: Admixed American, 0.0067%; no homozygotes.

Submissions (2):

CeGaT Center for Human Genetics Tuebingen
Classification: Uncertain significance. Last evaluated: 2024-05-01. Review status: criteria provided, single submitter. Criteria: CeGaT Center For Human Genetics Tuebingen Variant Classification Criteria Version 2. Collection method: clinical testing. Allele origin: germline. Affected: yes. Observed: 1 variant allele.

GeneDx
Classification: Uncertain significance. Last evaluated: 2023-11-06. Review status: criteria provided, single submitter. Criteria: GeneDx Variant Classification Process June 2021. Collection method: clinical testing. Allele origin: germline. Affected: yes.
Comment: Not observed at significant frequency in large population cohorts (gnomAD); In silico analysis supports that this missense variant does not alter protein structure/function; Has not been previously published as pathogenic or benign to our knowledge